The following is an entry in ClinVar:

NM_001282933.2(ZNF341):c.1444C>A (p.Gln482Lys)

Gene: ZNF341 (zinc finger protein 341; plus strand). Cytogenetic location: 20q11.22.
Variant type: single nucleotide variant.
Coding change: c.1444C>A on transcript NM_001282933.2 (MANE Select); coding-DNA position 1444, C replaced by A.
Protein change: p.Gln482Lys; replaces glutamine 482 with lysine.
Molecular consequence: missense variant. On other transcripts: non-coding transcript variant (1).
Genome position (GRCh38, 1-based): chr20:33,770,114, C>A. VCF-style: chr20-33770114-C-A. GRCh37 (hg19) VCF-style: chr20-32357920-C-A.
Other names: c.1174C>A, p.Gln392Lys (NM_001282935.2); c.1423C>A, p.Gln475Lys (NM_032819.5); c.1423C>A (NM_032819.3); short protein forms Q392K, Q482K, Q475K.
Identifiers: ClinVar variation 1378390 (VCV001378390.6), dbSNP rs755510669, ClinGen allele CA408658179.

ClinVar aggregate classification (germline): Uncertain significance. Review status: criteria provided, multiple submitters, no conflicts (2 of 4 stars). 2 submissions from 2 submitters: Uncertain significance (2). Last evaluated 2025-10-30.

Allele frequency attached by ClinVar (database versions not stated): TOPMed 0.00001.
gnomAD v4.1: 7 of 1,613,796 alleles (0.00043%); highest among the groups gnomAD compares: Middle Eastern, 0.016%; no homozygotes.

Submissions (2):

Ambry Genetics
Classification: Uncertain significance. Last evaluated: 2025-10-30. Review status: criteria provided, single submitter. Criteria: Ambry Variant Classification Scheme 2023. Collection method: clinical testing. Allele origin: germline.

Labcorp Genetics (formerly Invitae), Labcorp
Classification: Uncertain significance. Last evaluated: 2022-01-19. Review status: criteria provided, single submitter. Criteria: Invitae Variant Classification Sherloc (09022015). Collection method: clinical testing. Allele origin: germline.
Comment: This sequence change replaces glutamine, which is neutral and polar, with lysine, which is basic and polar, at codon 475 of the ZNF341 protein (p.Gln475Lys). The frequency data for this variant in the population databases is considered unreliable, as metrics indicate poor data quality at this position in the gnomAD database. This variant has not been reported in the literature in individuals affected with ZNF341-related conditions. Algorithms developed to predict the effect of missense changes on protein structure and function are either unavailable or do not agree on the potential impact of this missense change (SIFT: "Tolerated"; PolyPhen-2: "Possibly Damaging"; Align-GVGD: "Class C0"). In summary, the available evidence is currently insufficient to determine the role of this variant in disease. Therefore, it has been classified as a Variant of Uncertain Significance.